The following is an entry in ClinVar:

NM_058216.3(RAD51C):c.140G>A (p.Ser47Asn)

Gene: RAD51C (RAD51 paralog C; plus strand). Cytogenetic location: 17q22.
Variant type: single nucleotide variant.
Coding change: c.140G>A on transcript NM_058216.3 (MANE Select); coding-DNA position 140, G replaced by A.
Protein change: p.Ser47Asn; replaces serine 47 with asparagine.
Molecular consequence: missense variant. On other transcripts: non-coding transcript variant (1).
Genome position (GRCh38, 1-based): chr17:58,692,783, G>A. VCF-style: chr17-58692783-G-A. GRCh37 (hg19) VCF-style: chr17-56770144-G-A.
Other names: c.140G>A, p.Ser47Asn (NM_002876.4); short protein forms S47N.
Identifiers: ClinVar variation 1018619 (VCV001018619.6), dbSNP rs2047818916, ClinGen allele CA400337821.

ClinVar aggregate classification (germline): Uncertain significance (1 of 4 stars; one submission).

Conditions:
Fanconi anemia complementation group O. Also called: RAD51C-Related Fanconi Anemia. Identifiers: Orphanet 84, MedGen C3150653, MONDO:0013248, OMIM 613390.

Submission:

Labcorp Genetics (formerly Invitae), Labcorp
Classification: Uncertain significance for Fanconi anemia complementation group O. Last evaluated: 2021-10-21. Review status: criteria provided, single submitter. Criteria: Invitae Variant Classification Sherloc (09022015). Collection method: clinical testing. Allele origin: germline.
Comment: This sequence change replaces serine with asparagine at codon 47 of the RAD51C protein (p.Ser47Asn). The serine residue is moderately conserved and there is a small physicochemical difference between serine and asparagine. This variant is not present in population databases (ExAC no frequency). This variant has not been reported in the literature in individuals affected with RAD51C-related conditions. Algorithms developed to predict the effect of missense changes on protein structure and function (SIFT, PolyPhen-2, Align-GVGD) all suggest that this variant is likely to be tolerated. In summary, the available evidence is currently insufficient to determine the role of this variant in disease. Therefore, it has been classified as a Variant of Uncertain Significance.